The following is an entry in ClinVar:

ClinVar aggregate classification (germline): Uncertain significance (1 of 4 stars; one submission).

Allele frequency attached by ClinVar (database versions not stated): gnomAD exomes below 0.00001; ExAC 0.00001.
gnomAD v4.1: 1 of 1,612,874 alleles (0.000062%); highest among the groups gnomAD compares: Non-Finnish European, 0.000085%; no homozygotes.

Submission:

Labcorp Genetics (formerly Invitae), Labcorp
Classification: Uncertain significance. Last evaluated: 2022-02-27. Review status: criteria provided, single submitter. Criteria: Invitae Variant Classification Sherloc (09022015). Collection method: clinical testing. Allele origin: germline.
Comment: In summary, the available evidence is currently insufficient to determine the role of this variant in disease. Therefore, it has been classified as a Variant of Uncertain Significance. Algorithms developed to predict the effect of missense changes on protein structure and function (SIFT, PolyPhen-2, Align-GVGD) all suggest that this variant is likely to be tolerated. This variant has not been reported in the literature in individuals affected with MYLK3-related conditions. This variant is not present in population databases (gnomAD no frequency). This sequence change replaces glutamic acid, which is acidic and polar, with lysine, which is basic and polar, at codon 158 of the MYLK3 protein (p.Glu158Lys).

NM_182493.3(MYLK3):c.472G>A (p.Glu158Lys)

Gene: MYLK3 (myosin light chain kinase 3; minus strand). Cytogenetic location: 16q11.2.
Variant type: single nucleotide variant.
Coding change: c.472G>A on transcript NM_182493.3 (MANE Select); coding-DNA position 472, G replaced by A.
Protein change: p.Glu158Lys; replaces glutamic acid 158 with lysine.
Molecular consequence: missense variant. On other transcripts: intron variant (1).
Genome position (GRCh38, 1-based): chr16:46,747,722, C>T on the plus strand (G>A on the coding strand, the complement: MYLK3 is on the minus strand). VCF-style: chr16-46747722-C-T. GRCh37 (hg19) VCF-style: chr16-46781634-C-T.
Other names: c.-113-7575G>A (NM_001308301.1); short protein forms E158K.
Identifiers: ClinVar variation 1961405 (VCV001961405.5), dbSNP rs753264453, ClinGen allele CA8038249.
Genomic context (GRCh38, chr16:46,747,722, plus strand): 5'-CTCCCACCAGGGCCGGGGCCTCCCATCCAGCCAGGGCAGGGAAGCAGGAACCAACCTCCT[C>T]AGGGCTGTCACCTGGGCTGCCTCTCCTCCAGGGCACACGCCCCTGCATGAGGAAATCCGC-3'
Protein context (NP_872299.2, residues 148-168): WRRGSPGDSP[Glu158Lys]ENKERVEEEG